The following is an entry in ClinVar:

NM_015404.4(WHRN):c.2632C>T (p.Arg878Trp)

Gene: WHRN (whirlin; minus strand). Cytogenetic location: 9q32.
Variant type: single nucleotide variant.
Coding change: c.2632C>T on transcript NM_015404.4 (MANE Select); coding-DNA position 2632, C replaced by T.
Protein change: p.Arg878Trp; replaces arginine 878 with tryptophan.
Molecular consequence: missense variant.
Genome position (GRCh38, 1-based): chr9:114,402,846, G>A on the plus strand (C>T on the coding strand, the complement: WHRN is on the minus strand). VCF-style: chr9-114402846-G-A. GRCh37 (hg19) VCF-style: chr9-117165126-G-A.
Other names: c.1483C>T, p.Arg495Trp (NM_001083885.3); c.2629C>T, p.Arg877Trp (NM_001173425.2); c.1579C>T, p.Arg527Trp (NM_001346890.1); short protein forms R495W, R527W, R877W, R878W.
Identifiers: ClinVar variation 3367501 (VCV003367501.2).

ClinVar aggregate classification (germline): Uncertain significance. Review status: criteria provided, multiple submitters, no conflicts (2 of 4 stars). 2 submissions from 2 submitters: Uncertain significance (2). Last evaluated 2024-01-18.

gnomAD v4.1: 18 of 1,614,070 alleles (0.0011%); highest among the groups gnomAD compares: Middle Eastern, 0.016%; 1 homozygote.

Submissions (2):

GeneDx
Classification: Uncertain significance. Last evaluated: 2024-01-18. Review status: criteria provided, single submitter. Criteria: GeneDx Variant Classification Process June 2021. Collection method: clinical testing. Allele origin: germline. Affected: yes.
Comment: Not observed at significant frequency in large population cohorts (gnomAD); In silico analysis supports that this missense variant has a deleterious effect on protein structure/function; Has not been previously published as pathogenic or benign to our knowledge

Blueprint Genetics
Classification: Uncertain significance. Last evaluated: 2022-10-17. Review status: criteria provided, single submitter. Criteria: ACMG Guidelines, 2015. Collection method: clinical testing. Allele origin: germline.